The following is an entry in ClinVar:

NM_001379200.1(TBX1):c.1314C>T (p.Ala438=)

Gene: TBX1 (T-box transcription factor 1; plus strand). Cytogenetic location: 22q11.21.
Variant type: single nucleotide variant.
Coding change: c.1314C>T on transcript NM_001379200.1 (MANE Select); coding-DNA position 1314, C replaced by T.
Protein change: p.Ala438=; no amino-acid change (alanine 438 retained).
Molecular consequence: synonymous variant. On other transcripts: intron variant (2).
Genome position (GRCh38, 1-based): chr22:19,766,666, C>T. VCF-style: chr22-19766666-C-T. GRCh37 (hg19) VCF-style: chr22-19754189-C-T.
Other names: c.1287C>T, p.Ala429= (NM_080647.1); c.1009+664C>T (NM_005992.1, NM_080646.2).
Identifiers: ClinVar variation 706561 (VCV000706561.22), dbSNP rs574947516, ClinGen allele CA10102706.
Genomic context (GRCh38, chr22:19,766,666, plus strand): 5'-GCCGCTGCACCACCACCCCTACAAATATCCGGCCGCCGCCTACGACCACTATCTCGGGGC[C>T]AAGAGCCGGCCGGCGCCCTACCCGCTGCCCGGCCTGCGTGGCCACGGCTACCACCCGCAC-3'
Protein context (NP_001366129.1, residues 428-448): PAAAYDHYLG[Ala438=]KSRPAPYPLP

ClinVar aggregate classification (germline): Benign/Likely benign. Review status: criteria provided, multiple submitters, no conflicts (2 of 4 stars). 6 submissions from 6 submitters: Benign (2); Likely benign (4). Last evaluated 2026-02-01.

Conditions:
TBX1-related disorder. Also called: TBX1-Related Disorders; TBX1-related condition.
DiGeorge syndrome. Also called: Catch22; THIRD AND FOURTH PHARYNGEAL POUCH SYNDROME. Identifiers: Orphanet 567, MedGen C0012236, MONDO:0008564, OMIM 188400.
Cardiovascular phenotype. Identifiers: MedGen CN230736.

Allele frequency attached by ClinVar (database versions not stated): gnomAD 0.00001 and 0.00020; TOPMed 0.00005; gnomAD exomes 0.00033 and 0.00090; 1000 Genomes Project 0.00080; 1000 Genomes Project 30x 0.00109; ExAC 0.00123.
gnomAD v4.1: 490 of 1,551,864 alleles (0.032%); highest among the groups gnomAD compares: South Asian, 0.54%; 4 homozygotes.

Submissions (6):

CeGaT Center for Human Genetics Tuebingen
Classification: Likely benign. Last evaluated: 2026-02-01. Review status: criteria provided, single submitter. Criteria: CeGaT Center For Human Genetics Tuebingen Variant Classification Criteria Version 2. Collection method: clinical testing. Allele origin: germline. Affected: yes. Observed: 1 variant allele.
Comment: TBX1: BP4, BP7

Labcorp Genetics (formerly Invitae), Labcorp
Classification: Benign for DiGeorge syndrome. Last evaluated: 2025-11-08. Review status: criteria provided, single submitter. Criteria: Invitae Variant Classification Sherloc (09022015). Collection method: clinical testing. Allele origin: germline.

PreventionGenetics, part of Exact Sciences
Classification: Likely benign for TBX1-related condition. Last evaluated: 2025-07-21. Review status: criteria provided, single submitter. Criteria: ACMG Guidelines, 2015. Collection method: clinical testing. Allele origin: germline.
Comment: This variant is classified as likely benign based on ACMG/AMP sequence variant interpretation guidelines (Richards et al. 2015 PMID: 25741868, with internal and published modifications).

Blueprint Genetics
Classification: Likely benign. Last evaluated: 2024-07-09. Review status: criteria provided, single submitter. Criteria: ACMG Guidelines, 2015. Collection method: clinical testing. Allele origin: germline.

Ambry Genetics
Classification: Likely benign for Cardiovascular phenotype. Last evaluated: 2022-05-02. Review status: criteria provided, single submitter. Criteria: Ambry Variant Classification Scheme 2023. Collection method: clinical testing. Allele origin: germline.

GeneDx
Classification: Benign. Last evaluated: 2020-03-03. Review status: criteria provided, single submitter. Criteria: GeneDx Variant Classification Process June 2021. Collection method: clinical testing. Allele origin: germline. Affected: yes.